The following is an entry in ClinVar:

ClinVar aggregate classification (germline): Uncertain significance (1 of 4 stars; one submission).

Conditions:
Deficiency of alpha-mannosidase (MANSA). Also called: LYSOSOMAL ALPHA-D-MANNOSIDASE DEFICIENCY; Alpha-Mannosidosis; Mannosidosis, alpha-, types I and II. Identifiers: Orphanet 61, MedGen C0024748, MONDO:0009561, OMIM 248500.

Allele frequency attached by ClinVar (database versions not stated): gnomAD exomes below 0.00001.
gnomAD v4.1: 1 of 1,613,748 alleles (0.000062%); highest among the groups gnomAD compares: Admixed American, 0.0017%; no homozygotes.

Submission:

Labcorp Genetics (formerly Invitae), Labcorp
Classification: Uncertain significance for Deficiency of alpha-mannosidase. Last evaluated: 2024-11-05. Review status: criteria provided, single submitter. Criteria: Invitae Variant Classification Sherloc (09022015). Collection method: clinical testing. Allele origin: germline.
Comment: This sequence change replaces isoleucine, which is neutral and non-polar, with methionine, which is neutral and non-polar, at codon 498 of the MAN2B1 protein (p.Ile498Met). This variant is present in population databases (no rsID available, gnomAD 0.006%). This variant has not been reported in the literature in individuals affected with MAN2B1-related conditions. ClinVar contains an entry for this variant (Variation ID: 2150020). Invitae Evidence Modeling of protein sequence and biophysical properties (such as structural, functional, and spatial information, amino acid conservation, physicochemical variation, residue mobility, and thermodynamic stability) indicates that this missense variant is not expected to disrupt MAN2B1 protein function with a negative predictive value of 95%. In summary, the available evidence is currently insufficient to determine the role of this variant in disease. Therefore, it has been classified as a Variant of Uncertain Significance.

NM_000528.4(MAN2B1):c.1494C>G (p.Ile498Met)

Gene: MAN2B1 (mannosidase alpha class 2B member 1; minus strand). Cytogenetic location: 19p13.13.
Variant type: single nucleotide variant.
Coding change: c.1494C>G on transcript NM_000528.4 (MANE Select); coding-DNA position 1494, C replaced by G.
Protein change: p.Ile498Met; replaces isoleucine 498 with methionine.
Molecular consequence: missense variant.
Genome position (GRCh38, 1-based): chr19:12,656,982, G>C on the plus strand (C>G on the coding strand, the complement: MAN2B1 is on the minus strand). VCF-style: chr19-12656982-G-C. GRCh37 (hg19) VCF-style: chr19-12767796-G-C.
Other names: c.1491C>G, p.Ile497Met (NM_001173498.2); short protein forms I497M, I498M.
Identifiers: ClinVar variation 2150020 (VCV002150020.4), dbSNP rs1298437271, ClinGen allele CA404246240.
Genomic context (GRCh38, chr19:12,656,982, plus strand): 5'-AGATCCACCCCTCCCGTCCCGGCTCACGCGCGCCGCCGTCTGGCTGAGCGGGCAGATGCT[G>C]ATGTTTAGCTGTTGGCAAAAGGTGAAGTGATCTTTGAAGCCTCTGAGCCGCGCCAGCGCG-3'
Protein context (NP_000519.2, residues 488-508): DHFTFCQQLN[Ile498Met]SICPLSQTAA